The following is an entry in ClinVar:

ClinVar aggregate classification (germline): Uncertain significance. Review status: criteria provided, multiple submitters, no conflicts (2 of 4 stars). 2 submissions from 2 submitters: Uncertain significance (2). Last evaluated 2026-05-20.

Conditions:
Hereditary cancer-predisposing syndrome. Also called: Tumor predisposition; Hereditary Cancer Syndrome; Hereditary neoplastic syndrome; Neoplastic Syndromes, Hereditary. Identifiers: Orphanet 140162, MedGen C0027672, MeSH D009386, MONDO:0015356.
POLD1-related polyposis and colorectal cancer syndrome (CRCS10). Also called: Colorectal cancer 10; COLORECTAL CANCER, SUSCEPTIBILITY TO, ON CHROMOSOME 19q; Colorectal cancer, susceptibility to, 10. Identifiers: Orphanet 220460, MedGen C2675481, MONDO:0012953, OMIM 612591.

Submissions (2):

Ambry Genetics
Classification: Uncertain significance for Hereditary cancer-predisposing syndrome. Last evaluated: 2026-05-20. Review status: criteria provided, single submitter. Criteria: Ambry Variant Classification Scheme 2023. Collection method: clinical testing. Allele origin: germline.

Labcorp Genetics (formerly Invitae), Labcorp
Classification: Uncertain significance for POLD1-related polyposis and colorectal cancer syndrome. Last evaluated: 2021-02-18. Review status: criteria provided, single submitter. Criteria: Invitae Variant Classification Sherloc (09022015). Collection method: clinical testing. Allele origin: germline.
Comment: Algorithms developed to predict the effect of missense changes on protein structure and function (SIFT, PolyPhen-2, Align-GVGD) all suggest that this variant is likely to be tolerated, but these predictions have not been confirmed by published functional studies and their clinical significance is uncertain. In summary, the available evidence is currently insufficient to determine the role of this variant in disease. Therefore, it has been classified as a Variant of Uncertain Significance. This variant has not been reported in the literature in individuals with POLD1-related conditions. This sequence change replaces glutamic acid with aspartic acid at codon 466 of the POLD1 protein (p.Glu466Asp). The glutamic acid residue is weakly conserved and there is a small physicochemical difference between glutamic acid and aspartic acid. This variant is not present in population databases (ExAC no frequency).

NM_002691.4(POLD1):c.1398G>T (p.Glu466Asp)

Gene: POLD1 (DNA polymerase delta 1, catalytic subunit; plus strand). Cytogenetic location: 19q13.33.
Variant type: single nucleotide variant.
Coding change: c.1398G>T on transcript NM_002691.4 (MANE Select); coding-DNA position 1398, G replaced by T.
Protein change: p.Glu466Asp; replaces glutamic acid 466 with aspartic acid.
Molecular consequence: missense variant. On other transcripts: non-coding transcript variant (1).
Genome position (GRCh38, 1-based): chr19:50,406,421, G>T. VCF-style: chr19-50406421-G-T. GRCh37 (hg19) VCF-style: chr19-50909678-G-T.
Other names: c.1398G>T, p.Glu466Asp (NM_001256849.1, NM_001308632.1); c.1398G>T (NM_002691.2); short protein forms E466D.
Identifiers: ClinVar variation 1022161 (VCV001022161.9), dbSNP rs1555791173, ClinGen allele CA406980035.